The following is an entry in ClinVar:

ClinVar aggregate classification (germline): Uncertain significance (1 of 4 stars; one submission).

Conditions:
Hereditary cancer-predisposing syndrome. Also called: Neoplastic Syndromes, Hereditary; Tumor predisposition; Hereditary Cancer Syndrome; Hereditary neoplastic syndrome. Identifiers: Orphanet 140162, MedGen C0027672, MeSH D009386, MONDO:0015356.

Submission:

Ambry Genetics
Classification: Uncertain significance for Hereditary cancer-predisposing syndrome. Last evaluated: 2020-06-24. Review status: criteria provided, single submitter. Criteria: Ambry Variant Classification Scheme 2023. Collection method: clinical testing. Allele origin: germline.
Comment: The p.L216F variant (also known as c.648A>T), located in coding exon 4 of the CHEK2 gene, results from an A to T substitution at nucleotide position 648. The leucine at codon 216 is replaced by phenylalanine, an amino acid with highly similar properties. This amino acid position is not well conserved in available vertebrate species, and phenylalanine is the reference amino acid in other vertebrate species. In addition, this alteration is predicted to be tolerated by in silico analysis. Since supporting evidence is limited at this time, the clinical significance of this alteration remains unclear.

NM_007194.4(CHEK2):c.648A>T (p.Leu216Phe)

Gene: CHEK2 (checkpoint kinase 2; minus strand). Cytogenetic location: 22q12.1.
Variant type: single nucleotide variant.
Coding change: c.648A>T on transcript NM_007194.4 (MANE Select); coding-DNA position 648, A replaced by T.
Protein change: p.Leu216Phe; replaces leucine 216 with phenylalanine.
Molecular consequence: missense variant. On other transcripts: 5 prime UTR variant (2), intron variant (1).
Genome position (GRCh38, 1-based): chr22:28,719,430, T>A on the plus strand (A>T on the coding strand, the complement: CHEK2 is on the minus strand). VCF-style: chr22-28719430-T-A. GRCh37 (hg19) VCF-style: chr22-29115418-T-A.
Other names: c.777A>T, p.Leu259Phe (NM_001005735.3, NM_001438294.1); c.-16A>T (NM_001257387.3, NM_001437942.1); c.741A>T, p.Leu247Phe (NM_001438293.1, NM_001438295.1); c.648A>T, p.Leu216Phe (NM_145862.3); c.482+5456A>T (NM_001349956.3); short protein forms L216F, L259F, L247F.
Identifiers: ClinVar variation 1753804 (VCV001753804.2), dbSNP rs2518009275, ClinGen allele CA411104977.